The following is an entry in ClinVar:

ClinVar aggregate classification (germline): Uncertain significance. Review status: criteria provided, multiple submitters, no conflicts (2 of 4 stars). 3 submissions from 3 submitters: Uncertain significance (3). Last evaluated 2025-10-13.

Conditions:
Hypertrophic cardiomyopathy 1 (CMH1). Also called: Familial hypertrophic cardiomyopathy 1; MYH7-Related Familial Hypertrophic Cardiomyopathy. Identifiers: MedGen C3495498, MONDO:0008647, OMIM 192600.

Allele frequency attached by ClinVar (database versions not stated): TOPMed below 0.00001; ExAC 0.00001; gnomAD 0.00001; gnomAD exomes 0.00002.

Submissions (3):

Women's Health and Genetics/Laboratory Corporation of America, LabCorp
Classification: Uncertain significance. Last evaluated: 2025-10-13. Review status: criteria provided, single submitter. Criteria: LabCorp Variant Classification Summary - May 2015. Collection method: clinical testing. Allele origin: germline.

Labcorp Genetics (formerly Invitae), Labcorp
Classification: Uncertain significance for Hypertrophic cardiomyopathy 1. Last evaluated: 2025-10-01. Review status: criteria provided, single submitter. Criteria: Invitae Variant Classification Sherloc (09022015). Collection method: clinical testing. Allele origin: germline.
Comment: This sequence change replaces asparagine, which is neutral and polar, with aspartic acid, which is acidic and polar, at codon 551 of the MYLK2 protein (p.Asn551Asp). This variant is present in population databases (rs776904119, gnomAD 0.003%). This variant has not been reported in the literature in individuals affected with MYLK2-related conditions. ClinVar contains an entry for this variant (Variation ID: 2163233). Invitae Evidence Modeling of protein sequence and biophysical properties (such as structural, functional, and spatial information, amino acid conservation, physicochemical variation, residue mobility, and thermodynamic stability) has been performed for this missense variant. However, the output from this modeling did not meet the statistical confidence thresholds required to predict the impact of this variant on MYLK2 protein function. In summary, the available evidence is currently insufficient to determine the role of this variant in disease. Therefore, it has been classified as a Variant of Uncertain Significance.

Ambry Genetics
Classification: Uncertain significance. Last evaluated: 2023-04-22. Review status: criteria provided, single submitter. Criteria: Ambry Variant Classification Scheme 2023. Collection method: clinical testing. Allele origin: germline.
Comment: The p.N551D variant (also known as c.1651A>G), located in coding exon 11 of the MYLK2 gene, results from an A to G substitution at nucleotide position 1651. The asparagine at codon 551 is replaced by aspartic acid, an amino acid with highly similar properties. This amino acid position is conserved. In addition, this alteration is predicted to be tolerated by in silico analysis. Since supporting evidence is limited at this time, the clinical significance of this alteration remains unclear.

NM_033118.4(MYLK2):c.1651A>G (p.Asn551Asp)

Gene: MYLK2 (myosin light chain kinase 2; plus strand). Cytogenetic location: 20q11.21.
Variant type: single nucleotide variant.
Coding change: c.1651A>G on transcript NM_033118.4 (MANE Select); coding-DNA position 1651, A replaced by G.
Protein change: p.Asn551Asp; replaces asparagine 551 with aspartic acid.
Molecular consequence: missense variant.
Genome position (GRCh38, 1-based): chr20:31,832,077, A>G. VCF-style: chr20-31832077-A-G. GRCh37 (hg19) VCF-style: chr20-30419880-A-G.
Other names: short protein forms N551D.
Identifiers: ClinVar variation 2163233 (VCV002163233.7), dbSNP rs776904119, ClinGen allele CA9803286.
Genomic context (GRCh38, chr20:31,832,077, plus strand): 5'-GCTGCCCAGTGTCTCGCCCATCCCTGGCTCAACAACCTGGCGGAGAAAGCCAAACGCTGT[A>G]ACCGACGCCTTAAGTCCCAGATCTTGCTTAAGAAATACCTCATGAAGAGGCGCTGGAAGG-3'
Protein context (NP_149109.1, residues 541-561): NNLAEKAKRC[Asn551Asp]RRLKSQILLK